The following is an entry in ClinVar:

ClinVar aggregate classification (germline): Uncertain significance (1 of 4 stars; one submission).

Conditions:
Familial thoracic aortic aneurysm and aortic dissection (TAAD). Also called: Thoracic aortic aneurysms and dissections. Identifiers: Orphanet 91387, MedGen C4707243, MONDO:0019625.

Submission:

Ambry Genetics
Classification: Uncertain significance for Familial thoracic aortic aneurysm and aortic dissection. Last evaluated: 2026-09-06. Review status: criteria provided, single submitter. Criteria: Ambry Variant Classification Scheme 2023. Collection method: clinical testing. Allele origin: germline.
Comment: The p.P711S variant (also known as c.2131C>T), located in coding exon 13 of the NOTCH1 gene, results from a C to T substitution at nucleotide position 2131. The proline at codon 711 is replaced by serine, an amino acid with similar properties. This amino acid position is conserved. In addition, this alteration is predicted to be tolerated by in silico analysis. Based on the available evidence, the clinical significance of this variant remains unclear.

NM_017617.5(NOTCH1):c.2131C>T (p.Pro711Ser)

Gene: NOTCH1 (notch receptor 1; minus strand). Cytogenetic location: 9q34.3.
Variant type: single nucleotide variant.
Coding change: c.2131C>T on transcript NM_017617.5 (MANE Select); coding-DNA position 2131, C replaced by T.
Protein change: p.Pro711Ser; replaces proline 711 with serine.
Molecular consequence: missense variant.
Genome position (GRCh38, 1-based): chr9:136,514,586, G>A on the plus strand (C>T on the coding strand, the complement: NOTCH1 is on the minus strand). VCF-style: chr9-136514586-G-A. GRCh37 (hg19) VCF-style: chr9-139409038-G-A.
Other names: short protein forms P711S.
Identifiers: ClinVar variation 5025817 (VCV005025817.1).